The following is an entry in ClinVar:

NM_152703.5(SAMD9L):c.2374C>T (p.His792Tyr)

Gene: SAMD9L (sterile alpha motif domain containing 9 like; minus strand). Cytogenetic location: 7q21.2.
Variant type: single nucleotide variant.
Coding change: c.2374C>T on transcript NM_152703.5 (MANE Select); coding-DNA position 2374, C replaced by T.
Protein change: p.His792Tyr; replaces histidine 792 with tyrosine.
Molecular consequence: missense variant.
Genome position (GRCh38, 1-based): chr7:93,133,598, G>A on the plus strand (C>T on the coding strand, the complement: SAMD9L is on the minus strand). VCF-style: chr7-93133598-G-A. GRCh37 (hg19) VCF-style: chr7-92762911-G-A.
Other names: c.2374C>T, p.His792Tyr (NM_001303496.3, NM_001303497.3, NM_001303498.3 and 5 more transcripts); short protein forms H792Y.
Identifiers: ClinVar variation 3949829 (VCV003949829.1).

ClinVar aggregate classification (germline): Uncertain significance (1 of 4 stars; one submission).

Conditions:
Inborn genetic diseases. Identifiers: MedGen C0950123, MeSH D030342.

Submission:

Ambry Genetics
Classification: Uncertain significance for Inborn genetic diseases. Last evaluated: 2025-04-11. Review status: criteria provided, single submitter. Criteria: Ambry Variant Classification Scheme 2023. Collection method: clinical testing. Allele origin: germline.
Comment: The p.H792Y variant (also known as c.2374C>T), located in coding exon 1 of the SAMD9L gene, results from a C to T substitution at nucleotide position 2374. The histidine at codon 792 is replaced by tyrosine, an amino acid with similar properties. This amino acid position is conserved. In addition, this alteration is predicted to be tolerated by in silico analysis. Based on the available evidence, the clinical significance of this variant remains unclear.